The following is an entry in ClinVar:

ClinVar aggregate classification (germline): Uncertain significance (1 of 4 stars; one submission).

Submission:

GeneDx
Classification: Uncertain significance. Last evaluated: 2024-11-19. Review status: criteria provided, single submitter. Criteria: GeneDx Variant Classification Process June 2021. Collection method: clinical testing. Allele origin: germline. Affected: yes.
Comment: Not observed at significant frequency in large population cohorts (gnomAD); In silico analysis supports that this missense variant has a deleterious effect on protein structure/function; Has not been previously published as pathogenic or benign to our knowledge

NM_006922.4(SCN3A):c.1734C>G (p.Phe578Leu)

Gene: SCN3A (sodium voltage-gated channel alpha subunit 3; minus strand). Cytogenetic location: 2q24.3.
Variant type: single nucleotide variant.
Coding change: c.1734C>G on transcript NM_006922.4 (MANE Select); coding-DNA position 1734, C replaced by G.
Protein change: p.Phe578Leu; replaces phenylalanine 578 with leucine.
Molecular consequence: missense variant.
Genome position (GRCh38, 1-based): chr2:165,140,936, G>C on the plus strand (C>G on the coding strand, the complement: SCN3A is on the minus strand). VCF-style: chr2-165140936-G-C. GRCh37 (hg19) VCF-style: chr2-165997446-G-C.
Other names: c.1734C>G, p.Phe578Leu (NM_001081676.2, NM_001081677.2); short protein forms F578L.
Identifiers: ClinVar variation 3899429 (VCV003899429.1).